The following is an entry in ClinVar:

ClinVar aggregate classification (germline): Uncertain significance (1 of 4 stars; one submission).

gnomAD v4.1: 1 of 1,609,668 alleles (0.000062%); highest among the groups gnomAD compares: Non-Finnish European, 0.000085%; no homozygotes.

Submission:

CeGaT Center for Human Genetics Tuebingen
Classification: Uncertain significance. Last evaluated: 2026-03-01. Review status: criteria provided, single submitter. Criteria: CeGaT Center For Human Genetics Tuebingen Variant Classification Criteria Version 2. Collection method: clinical testing. Allele origin: germline. Affected: yes. Observed: 1 variant allele.
Comment: NOD2: PM2:Supporting, BP4

NM_001370466.1(NOD2):c.432G>A (p.Arg144=)

Gene: NOD2 (nucleotide binding oligomerization domain containing 2; plus strand). Cytogenetic location: 16q12.1.
Variant type: single nucleotide variant.
Coding change: c.432G>A on transcript NM_001370466.1 (MANE Select); coding-DNA position 432, G replaced by A.
Protein change: p.Arg144=; no amino-acid change (arginine 144 retained).
Molecular consequence: synonymous variant. On other transcripts: non-coding transcript variant (1).
Genome position (GRCh38, 1-based): chr16:50,699,927, G>A. VCF-style: chr16-50699927-G-A. GRCh37 (hg19) VCF-style: chr16-50733838-G-A.
Other names: c.432G>A, p.Arg144= (NM_001293557.2); c.513G>A, p.Arg171= (NM_022162.3).
Identifiers: ClinVar variation 4823820 (VCV004823820.4).
Genomic context (GRCh38, chr16:50,699,927, plus strand): 5'-CATGCTGGACCTGGCATGGGAGCGGGGTTTCGTCAGCCAGTATGAATGTGATGAAATCAG[G>A]TTGCCGATCTTCACACCGTCCCAGAGGGTGAGGCACTCCTGGTGTGCATCACAGAGTTCT-3'
Protein context (NP_001357395.1, residues 134-154): FVSQYECDEI[Arg144=]LPIFTPSQRA